The following is an entry in ClinVar:

NM_001372574.1(ATXN2):c.-89C>T

Genes: ATXN2 (ataxin 2; minus strand), LOC130008792 (ATAC-STARR-seq lymphoblastoid silent region 4873; plus strand). Cytogenetic location: 12q24.12.
Variant type: single nucleotide variant.
Coding change: c.-89C>T on transcript NM_001372574.1 (MANE Select); 89 bases upstream of the start codon, C replaced by T.
Molecular consequence: 5 prime UTR variant. On other transcripts: non-coding transcript variant (1), intron variant (2).
Genome position (GRCh38, 1-based): chr12:111,599,123, G>A on the plus strand (C>T on the coding strand, the complement: ATXN2 is on the minus strand). VCF-style: chr12-111599123-G-A. GRCh37 (hg19) VCF-style: chr12-112036927-G-A.
Other names: c.-89C>T (NM_002973.4); c.-28+452C>T (NM_001310123.1); c.-65+452C>T (NM_001310121.1).
Identifiers: ClinVar variation 1317079 (VCV001317079.2), dbSNP rs1166280952, ClinGen allele CA386732915.

ClinVar aggregate classification (germline): Uncertain significance (1 of 4 stars; one submission).

Allele frequency attached by ClinVar (database versions not stated): gnomAD 0.00001; TOPMed 0.00003; gnomAD exomes 0.00099.
gnomAD v4.1: 16 of 1,238,630 alleles (0.0013%); highest among the groups gnomAD compares: Admixed American, 0.017%; no homozygotes.

Submission:

GeneDx
Classification: Uncertain significance. Last evaluated: 2020-03-31. Review status: criteria provided, single submitter. Criteria: GeneDx Variant Classification Process June 2021. Collection method: clinical testing. Allele origin: germline. Affected: yes.
Comment: Not observed in large population cohorts (Lek et al., 2016); In silico analysis supports that this missense variant does not alter protein structure/function; Has not been previously published as pathogenic or benign to our knowledge